The following is an entry in ClinVar:

NM_001065.4(TNFRSF1A):c.971T>C (p.Ile324Thr)

Gene: TNFRSF1A (TNF receptor superfamily member 1A; minus strand). Cytogenetic location: 12p13.31.
Variant type: single nucleotide variant.
Coding change: c.971T>C on transcript NM_001065.4 (MANE Select); coding-DNA position 971, T replaced by C.
Protein change: p.Ile324Thr; replaces isoleucine 324 with threonine.
Molecular consequence: missense variant. On other transcripts: non-coding transcript variant (1).
Genome position (GRCh38, 1-based): chr12:6,329,864, A>G on the plus strand (T>C on the coding strand, the complement: TNFRSF1A is on the minus strand). VCF-style: chr12-6329864-A-G. GRCh37 (hg19) VCF-style: chr12-6439030-A-G.
Other names: c.647T>C, p.Ile216Thr (NM_001346091.2); c.512T>C, p.Ile171Thr (NM_001346092.2); short protein forms I171T, I216T, I324T.
Identifiers: ClinVar variation 2731402 (VCV002731402.3), dbSNP rs774657925, ClinGen allele CA383545754.
Genomic context (GRCh38, chr12:6,329,864, plus strand): 5'-CTGTCCTCCCACTTCTGAAGGGGGTTGGGGATGGGGTCGGAGGCGAGGGCTGTCGCAAGG[A>G]TGGGGTCAGCCCCCTGATAGGGTGGTGCCACCTCTCTGCGGGGAGCCGCAAAGTTGGGAC-3'
Protein context (NP_001056.1, residues 314-334): VAPPYQGADP[Ile324Thr]LATALASDPI

ClinVar aggregate classification (germline): Uncertain significance (1 of 4 stars; one submission).

Conditions:
TNF receptor-associated periodic fever syndrome (TRAPS) (FPF). Also called: TNF receptor 1-associated periodic fever syndrome; TNF Receptor-Associated Periodic Fever Syndrome; FAMILIAL HIBERNIAN FEVER; TNF RECEPTOR-ASSOCIATED PERIODIC SYNDROME; TUMOR NECROSIS FACTOR RECEPTOR-ASSOCIATED PERIODIC SYNDROME; Autosomal Dominant Familial Periodic Fever. Identifiers: Orphanet 32960, MedGen C1275126, MONDO:0007727, OMIM 142680.

gnomAD v4.1: 1 of 1,597,810 alleles (0.000063%); highest among the groups gnomAD compares: South Asian, 0.0011%; no homozygotes.

Submission:

Labcorp Genetics (formerly Invitae), Labcorp
Classification: Uncertain significance for TNF receptor-associated periodic fever syndrome (TRAPS). Last evaluated: 2023-06-28. Review status: criteria provided, single submitter. Criteria: Invitae Variant Classification Sherloc (09022015). Collection method: clinical testing. Allele origin: germline.
Comment: In summary, the available evidence is currently insufficient to determine the role of this variant in disease. Therefore, it has been classified as a Variant of Uncertain Significance. Advanced modeling of protein sequence and biophysical properties (such as structural, functional, and spatial information, amino acid conservation, physicochemical variation, residue mobility, and thermodynamic stability) has been performed at Invitae for this missense variant, however the output from this modeling did not meet the statistical confidence thresholds required to predict the impact of this variant on TNFRSF1A protein function. This variant has not been reported in the literature in individuals affected with TNFRSF1A-related conditions. This variant is not present in population databases (gnomAD no frequency). This sequence change replaces isoleucine, which is neutral and non-polar, with threonine, which is neutral and polar, at codon 324 of the TNFRSF1A protein (p.Ile324Thr).